The following is an entry in ClinVar:

NM_000179.3(MSH6):c.2969T>C (p.Leu990Ser)

Gene: MSH6 (mutS homolog 6; plus strand). Cytogenetic location: 2p16.3.
Variant type: single nucleotide variant.
Coding change: c.2969T>C on transcript NM_000179.3 (MANE Select); coding-DNA position 2969, T replaced by C.
Protein change: p.Leu990Ser; replaces leucine 990 with serine.
Molecular consequence: missense variant.
Genome position (GRCh38, 1-based): chr2:47,800,952, T>C. VCF-style: chr2-47800952-T-C. GRCh37 (hg19) VCF-style: chr2-48028091-T-C.
Other names: c.2579T>C, p.Leu860Ser (NM_001281492.2); c.2063T>C, p.Leu688Ser (NM_001281493.2, NM_001281494.2, NM_001406811.1 and 6 more transcripts); c.3065T>C, p.Leu1022Ser (NM_001406795.1, NM_001406802.1); c.2969T>C, p.Leu990Ser (NM_001406796.1, NM_001406798.1, NM_001406800.1 and 2 more transcripts); c.2672T>C, p.Leu891Ser (NM_001406797.1, NM_001406801.1, NM_001406805.1 and 10 more transcripts); c.2444T>C, p.Leu815Ser (NM_001406799.1, NM_001406806.1, NM_001406807.1); c.2891T>C, p.Leu964Ser (NM_001406804.1); c.2975T>C, p.Leu992Ser (NM_001406813.1); and 2 more; short protein forms L860S, L934S, L305S, L815S, L964S, L990S, L891S, L992S.
Identifiers: ClinVar variation 1798254 (VCV001798254.2), dbSNP rs1669533825, ClinGen allele CA346756313.

ClinVar aggregate classification (germline): Uncertain significance (1 of 4 stars; one submission).

Conditions:
Hereditary cancer-predisposing syndrome. Also called: Neoplastic Syndromes, Hereditary; Tumor predisposition; Hereditary Cancer Syndrome; Hereditary neoplastic syndrome. Identifiers: Orphanet 140162, MedGen C0027672, MeSH D009386, MONDO:0015356.

Submission:

Ambry Genetics
Classification: Uncertain significance for Hereditary cancer-predisposing syndrome. Last evaluated: 2020-01-16. Review status: criteria provided, single submitter. Criteria: Ambry Variant Classification Scheme 2023. Collection method: clinical testing. Allele origin: germline.
Comment: The p.L990S variant (also known as c.2969T>C), located in coding exon 4 of the MSH6 gene, results from a T to C substitution at nucleotide position 2969. The leucine at codon 990 is replaced by serine, an amino acid with dissimilar properties. This amino acid position is highly conserved through mammals but not in all available vertebrate species. In addition, the in silico prediction for this alteration is inconclusive. Since supporting evidence is limited at this time, the clinical significance of this alteration remains unclear.